The following is an entry in ClinVar:

NM_005430.4(WNT1):c.112G>A (p.Val38Met)

Gene: WNT1 (Wnt family member 1; plus strand). Cytogenetic location: 12q13.12.
Variant type: single nucleotide variant.
Coding change: c.112G>A on transcript NM_005430.4 (MANE Select); coding-DNA position 112, G replaced by A.
Protein change: p.Val38Met; replaces valine 38 with methionine.
Molecular consequence: missense variant.
Genome position (GRCh38, 1-based): chr12:48,979,475, G>A. VCF-style: chr12-48979475-G-A. GRCh37 (hg19) VCF-style: chr12-49373258-G-A.
Other names: c.112G>A (NM_005430.3); short protein forms V38M.
Identifiers: ClinVar variation 2131059 (VCV002131059.5), dbSNP rs1203413848, ClinGen allele CA384626875.

ClinVar aggregate classification (germline): Uncertain significance. Review status: criteria provided, multiple submitters, no conflicts (2 of 4 stars). 2 submissions from 2 submitters: Uncertain significance (2). Last evaluated 2025-06-17.

Conditions:
Inborn genetic diseases. Identifiers: MedGen C0950123, MeSH D030342.

Allele frequency attached by ClinVar (database versions not stated): TOPMed below 0.00001; gnomAD 0.00001.

Submissions (2):

Ambry Genetics
Classification: Uncertain significance for Inborn genetic diseases. Last evaluated: 2025-06-17. Review status: criteria provided, single submitter. Criteria: Ambry Variant Classification Scheme 2023. Collection method: clinical testing. Allele origin: germline.

Labcorp Genetics (formerly Invitae), Labcorp
Classification: Uncertain significance. Last evaluated: 2022-10-07. Review status: criteria provided, single submitter. Criteria: Invitae Variant Classification Sherloc (09022015). Collection method: clinical testing. Allele origin: germline.
Comment: This variant is present in population databases (no rsID available, gnomAD 0.06%). This sequence change replaces valine, which is neutral and non-polar, with methionine, which is neutral and non-polar, at codon 38 of the WNT1 protein (p.Val38Met). This variant has not been reported in the literature in individuals affected with WNT1-related conditions. Algorithms developed to predict the effect of missense changes on protein structure and function are either unavailable or do not agree on the potential impact of this missense change (SIFT: "Deleterious"; PolyPhen-2: "Benign"; Align-GVGD: "Class C0"). In summary, the available evidence is currently insufficient to determine the role of this variant in disease. Therefore, it has been classified as a Variant of Uncertain Significance.